The following is an entry in ClinVar:

ClinVar aggregate classification (germline): Uncertain significance (1 of 4 stars; one submission).

Submission:

Labcorp Genetics (formerly Invitae), Labcorp
Classification: Uncertain significance. Last evaluated: 2026-01-17. Review status: criteria provided, single submitter. Criteria: Invitae Variant Classification Sherloc (09022015). Collection method: clinical testing. Allele origin: germline.
Comment: This sequence change replaces glycine, which is neutral and non-polar, with arginine, which is basic and polar, at codon 124 of the IHH protein (p.Gly124Arg). This variant is not present in population databases (gnomAD no frequency). This variant has not been reported in the literature in individuals affected with IHH-related conditions. Invitae Evidence Modeling of protein sequence and biophysical properties (such as structural, functional, and spatial information, amino acid conservation, physicochemical variation, residue mobility, and thermodynamic stability) indicates that this missense variant is expected to disrupt IHH protein function with a positive predictive value of 80%. In summary, the available evidence is currently insufficient to determine the role of this variant in disease. Therefore, it has been classified as a Variant of Uncertain Significance.

NM_002181.4(IHH):c.370G>C (p.Gly124Arg)

Gene: IHH (Indian hedgehog signaling molecule; minus strand). Cytogenetic location: 2q35.
Variant type: single nucleotide variant.
Coding change: c.370G>C on transcript NM_002181.4 (MANE Select); coding-DNA position 370, G replaced by C.
Protein change: p.Gly124Arg; replaces glycine 124 with arginine.
Molecular consequence: missense variant.
Genome position (GRCh38, 1-based): chr2:219,057,640, C>G on the plus strand (G>C on the coding strand, the complement: IHH is on the minus strand). VCF-style: chr2-219057640-C-G. GRCh37 (hg19) VCF-style: chr2-219922362-C-G.
Other names: short protein forms G124R.
Identifiers: ClinVar variation 4742547 (VCV004742547.1).
Genomic context (GRCh38, chr2:219,057,640, plus strand): 5'-GGGACTCCTCTGAGTGGTGGCCGTCCTCGTCCCAGCCCTCGGTCACCCGCAGCTTCACAC[C>G]GGGCCACTGGTTCATCACCGAGATAGCCAGCGAGTTCAGGCGGTCCTTGCAGCGCTGGGA-3'
Protein context (NP_002172.2, residues 114-134): LAISVMNQWP[Gly124Arg]VKLRVTEGWD